The following is an entry in ClinVar:

ClinVar aggregate classification (germline): Benign/Likely benign. Review status: criteria provided, multiple submitters, no conflicts (2 of 4 stars). 3 submissions from 3 submitters: Benign (1); Likely benign (2). Last evaluated 2026-02-01.

Allele frequency attached by ClinVar (database versions not stated): gnomAD exomes 0.00037 and 0.00119; ExAC 0.00142; gnomAD 0.00446 and 0.00471; ESP Exome Variant Server 0.00522; TOPMed 0.00553; 1000 Genomes Project 0.00559; 1000 Genomes Project 30x 0.00671.
gnomAD v4.1: 1,242 of 1,612,588 alleles (0.077%); highest among the groups gnomAD compares: African/African-American, 1.3%; 12 homozygotes.

Submissions (3):

CeGaT Center for Human Genetics Tuebingen
Classification: Likely benign. Last evaluated: 2026-02-01. Review status: criteria provided, single submitter. Criteria: CeGaT Center For Human Genetics Tuebingen Variant Classification Criteria Version 2. Collection method: clinical testing. Allele origin: germline. Affected: yes. Observed: 1 variant allele.
Comment: SKIC2: BP4, BP7, BS1

Labcorp Genetics (formerly Invitae), Labcorp
Classification: Benign. Last evaluated: 2026-01-25. Review status: criteria provided, single submitter. Criteria: Invitae Variant Classification Sherloc (09022015). Collection method: clinical testing. Allele origin: germline.

Blueprint Genetics
Classification: Likely benign. Last evaluated: 2024-10-24. Review status: criteria provided, single submitter. Criteria: ACMG Guidelines, 2015. Collection method: clinical testing. Allele origin: germline.

NM_006929.5(SKIC2):c.3084G>A (p.Arg1028=)

Gene: SKIC2 (SKI2 subunit of superkiller complex; plus strand). Cytogenetic location: 6p21.33.
Variant type: single nucleotide variant.
Coding change: c.3084G>A on transcript NM_006929.5 (MANE Select); coding-DNA position 3084, G replaced by A.
Protein change: p.Arg1028=; no amino-acid change (arginine 1028 retained).
Molecular consequence: synonymous variant.
Genome position (GRCh38, 1-based): chr6:31,968,700, G>A. VCF-style: chr6-31968700-G-A. GRCh37 (hg19) VCF-style: chr6-31936477-G-A.
Identifiers: ClinVar variation 1166798 (VCV001166798.14), dbSNP rs149113896, ClinGen allele CA3729972.
Genomic context (GRCh38, chr6:31,968,700, plus strand): 5'-CCCCTGCTAAGGGGCAAGGAGAAGGCTGACGGGTGGCTCTCTGCAGTACCTGAAGCTGCG[G>A]GAGCGAATGCAGATACAGAAGGAGATGGAGCGGCTGCGCTTCCTACTGTCGGATCAGTCA-3'
Protein context (NP_008860.4, residues 1018-1038): PRFPAQYLKL[Arg1028=]ERMQIQKEME